The following is an entry in ClinVar:

ClinVar aggregate classification (germline): Uncertain significance (1 of 4 stars; one submission).

Conditions:
Hereditary cancer-predisposing syndrome. Also called: Neoplastic Syndromes, Hereditary; Tumor predisposition; Hereditary neoplastic syndrome; Hereditary Cancer Syndrome. Identifiers: Orphanet 140162, MedGen C0027672, MeSH D009386, MONDO:0015356.

Submission:

Ambry Genetics
Classification: Uncertain significance for Hereditary cancer-predisposing syndrome. Last evaluated: 2026-07-06. Review status: criteria provided, single submitter. Criteria: Ambry Variant Classification Scheme 2023. Collection method: clinical testing. Allele origin: germline.
Comment: The p.P50H variant (also known as c.149C>A), located in coding exon 1 of the AXIN2 gene, results from a C to A substitution at nucleotide position 149. The proline at codon 50 is replaced by histidine, an amino acid with similar properties. This amino acid position is conserved. In addition, this alteration is predicted to be tolerated by in silico analysis. Based on the available evidence, the clinical significance of this variant remains unclear.

NM_004655.4(AXIN2):c.149C>A (p.Pro50His)

Gene: AXIN2 (axin 2; minus strand). Cytogenetic location: 17q24.1.
Variant type: single nucleotide variant.
Coding change: c.149C>A on transcript NM_004655.4 (MANE Select); coding-DNA position 149, C replaced by A.
Protein change: p.Pro50His; replaces proline 50 with histidine.
Molecular consequence: missense variant.
Genome position (GRCh38, 1-based): chr17:65,558,472, G>T on the plus strand (C>A on the coding strand, the complement: AXIN2 is on the minus strand). VCF-style: chr17-65558472-G-T. GRCh37 (hg19) VCF-style: chr17-63554590-G-T.
Other names: c.149C>A, p.Pro50His (NM_001363813.1); short protein forms P50H.
Identifiers: ClinVar variation 5032568 (VCV005032568.1).